The following is an entry in ClinVar:

NM_001080449.3(DNA2):c.505G>T (p.Ala169Ser)

Gene: DNA2 (DNA replication helicase/nuclease 2; minus strand). Cytogenetic location: 10q21.3.
Variant type: single nucleotide variant.
Coding change: c.505G>T on transcript NM_001080449.3 (MANE Select); coding-DNA position 505, G replaced by T.
Protein change: p.Ala169Ser; replaces alanine 169 with serine.
Molecular consequence: missense variant. On other transcripts: non-coding transcript variant (1).
Genome position (GRCh38, 1-based): chr10:68,465,749, C>A on the plus strand (G>T on the coding strand, the complement: DNA2 is on the minus strand). VCF-style: chr10-68465749-C-A. GRCh37 (hg19) VCF-style: chr10-70225506-C-A.
Other names: short protein forms A169S.
Identifiers: ClinVar variation 3009071 (VCV003009071.3), dbSNP rs2494009182, ClinGen allele CA376828316.

ClinVar aggregate classification (germline): Uncertain significance (1 of 4 stars; one submission).

Submission:

Labcorp Genetics (formerly Invitae), Labcorp
Classification: Uncertain significance. Last evaluated: 2024-05-29. Review status: criteria provided, single submitter. Criteria: Invitae Variant Classification Sherloc (09022015). Collection method: clinical testing. Allele origin: germline.
Comment: This sequence change replaces alanine, which is neutral and non-polar, with serine, which is neutral and polar, at codon 169 of the DNA2 protein (p.Ala169Ser). This variant is not present in population databases (gnomAD no frequency). This variant has not been reported in the literature in individuals affected with DNA2-related conditions. Advanced modeling of protein sequence and biophysical properties (such as structural, functional, and spatial information, amino acid conservation, physicochemical variation, residue mobility, and thermodynamic stability) performed at Invitae indicates that this missense variant is not expected to disrupt DNA2 protein function with a negative predictive value of 80%. In summary, the available evidence is currently insufficient to determine the role of this variant in disease. Therefore, it has been classified as a Variant of Uncertain Significance.